The following is an entry in ClinVar:

ClinVar aggregate classification (germline): Conflicting classifications of pathogenicity. Review status: criteria provided, conflicting classifications (1 of 4 stars). 6 submissions from 6 submitters: Uncertain significance (1); Likely benign (3). 2 of the submissions do not count toward it. Last evaluated 2025-08-29.

Conditions:
SALL1-related disorder. Also called: SALL1-related condition.
Inborn genetic diseases. Identifiers: MedGen C0950123, MeSH D030342.
Congenital anomaly of kidney and urinary tract. Also called: Congenital anomalies of kidney and urinary tract; Congenital anomalies of the kidney and urinary tract. Identifiers: Orphanet 93545, MedGen C1968949, MeSH C566906, MONDO:0019719.
Townes syndrome (TBS). Also called: Townes-Brocks syndrome. Identifiers: Orphanet 857, MedGen C0265246, MeSH C536974, MONDO:0007142.

Allele frequency attached by ClinVar (database versions not stated): TOPMed 0.00015; ExAC 0.00019; gnomAD exomes 0.00028.
gnomAD v4.1: 163 of 1,306,104 alleles (0.012%); highest among the groups gnomAD compares: Middle Eastern, 0.1%; 1 homozygote.

Submissions (6):

Ambry Genetics
Classification: Uncertain significance for Inborn genetic diseases. Last evaluated: 2025-08-29. Review status: criteria provided, single submitter. Criteria: Ambry Variant Classification Scheme 2023. Collection method: clinical testing. Allele origin: germline.

Labcorp Genetics (formerly Invitae), Labcorp
Classification: Likely benign for Townes syndrome. Last evaluated: 2025-08-13. Review status: criteria provided, single submitter. Criteria: Invitae Variant Classification Sherloc (09022015). Collection method: clinical testing. Allele origin: germline.

GeneDx
Classification: Likely benign. Last evaluated: 2021-02-24. Review status: criteria provided, single submitter. Criteria: GeneDx Variant Classification Process June 2021. Collection method: clinical testing. Allele origin: germline. Affected: yes.

Breakthrough Genomics
Classification: Likely benign. Review status: criteria provided, single submitter. Criteria: ACMG Guidelines, 2015. Collection method: not provided. Allele origin: germline. Inheritance: Autosomal dominant inheritance. Affected: yes.

PreventionGenetics, part of Exact Sciences
Classification: Likely benign for SALL1-related condition. Last evaluated: 2022-10-21. Review status: no assertion criteria provided. Collection method: clinical testing. Allele origin: germline. Not counted in ClinVar's aggregate classification.
Comment: This variant is classified as likely benign based on ACMG/AMP sequence variant interpretation guidelines (Richards et al. 2015 PMID: 25741868, with internal and published modifications).

Sydney Genome Diagnostics, Children's Hospital Westmead
Classification: Uncertain significance for Congenital anomaly of kidney and urinary tract. Last evaluated: 2014-04-18. Review status: no assertion criteria provided. Collection method: clinical testing. Allele origin: unknown. Affected: yes. Observed: 1 variant allele, 1 heterozygote. Not counted in ClinVar's aggregate classification.
Comment: To our knowledge, this variant has not been previously reported in the literature to be disease causing. However, this variant has been reported in ExAC with a very low allele frequency of 0.02%. In silico analysis (Alamut v2.6) using Algin GVGD, SIFT, Mutation Taster, KD4v and Polyphen-2 all predict this variant is likely to be benign.

NM_002968.3(SALL1):c.477C>A (p.Ser159Arg)

Gene: SALL1 (spalt like transcription factor 1; minus strand). Cytogenetic location: 16q12.1.
Variant type: single nucleotide variant.
Coding change: c.477C>A on transcript NM_002968.3 (MANE Select); coding-DNA position 477, C replaced by A.
Protein change: p.Ser159Arg; replaces serine 159 with arginine.
Molecular consequence: missense variant.
Genome position (GRCh38, 1-based): chr16:51,141,745, G>T on the plus strand (C>A on the coding strand, the complement: SALL1 is on the minus strand). VCF-style: chr16-51141745-G-T. GRCh37 (hg19) VCF-style: chr16-51175656-G-T.
Other names: c.186C>A, p.Ser62Arg (NM_001127892.2); short protein forms S159R, S62R.
Identifiers: ClinVar variation 988233 (VCV000988233.15), dbSNP rs757737676, ClinGen allele CA8053466.